The following is an entry in ClinVar:

ClinVar aggregate classification (germline): Pathogenic (1 of 4 stars; one submission).

Conditions:
Pterin-4 alpha-carbinolamine dehydratase 1 deficiency. Also called: HYPERPHENYLALANINEMIA WITH PRIMAPTERINURIA; HYPERPHENYLALANINEMIA, TETRAHYDROBIOPTERIN-DEFICIENT, DUE TO PTERIN-4-ALPHA-CARBINOLAMINE DEHYDRATASE DEFICIENCY; Hyperphenylalaninemia due to dehydratase deficiency; CADH DEFICIENCY. Identifiers: Orphanet 1578, Orphanet 238583, MedGen C1849700, MONDO:0009908, OMIM 264070.

Submission:

Labcorp Genetics (formerly Invitae), Labcorp
Classification: Pathogenic for Pterin-4 alpha-carbinolamine dehydratase 1 deficiency. Last evaluated: 2023-11-27. Review status: criteria provided, single submitter. Criteria: Invitae Variant Classification Sherloc (09022015). Collection method: clinical testing. Allele origin: germline.
Comment: This sequence change creates a premature translational stop signal (p.Asn68*) in the PCBD1 gene. While this is not anticipated to result in nonsense mediated decay, it is expected to disrupt the last 37 amino acid(s) of the PCBD1 protein. This variant is not present in population databases (gnomAD no frequency). This variant has not been reported in the literature in individuals affected with PCBD1-related conditions. This variant disrupts a region of the PCBD1 protein in which other variant(s) (p.Gln98*) have been determined to be pathogenic (PMID: 24204001). This suggests that this is a clinically significant region of the protein, and that variants that disrupt it are likely to be disease-causing. For these reasons, this variant has been classified as Pathogenic.

Literature cited by the submitters: PubMed 24204001.

NM_000281.4(PCBD1):c.201dup (p.Asn68Ter)

Gene: PCBD1 (pterin-4 alpha-carbinolamine dehydratase 1; minus strand). Cytogenetic location: 10q22.1.
Variant type: Duplication.
Coding change: c.201dup on transcript NM_000281.4 (MANE Select); coding-DNA position 201, one base duplicated (T; older notation c.201dupT).
Protein change: p.Asn68Ter; replaces asparagine 68 with a stop codon.
Molecular consequence: nonsense.
Genome position (GRCh38, 1-based): chr10:70,885,167, A duplicated on the plus strand (T on the coding strand, the reverse complement: PCBD1 is on the minus strand); the first of 3 consecutive A bases (chr10:70,885,167-70,885,169); duplicating any one gives the same sequence. VCF-style (leftmost placement, unchanged base first): chr10-70885166-T-TA. GRCh37 (hg19) VCF-style: chr10-72644923-T-TA.
Other names: c.54dup, p.Asn19Ter (NM_001289797.2); c.201dup, p.Asn68Ter (NM_001323004.2); short protein forms N19*, N68*.
Identifiers: ClinVar variation 2697933 (VCV002697933.3), dbSNP rs2492832243, ClinGen allele CA2697558429.